The following is an entry in ClinVar:

NM_138694.4(PKHD1):c.9171del (p.Tyr3058fs)

Gene: PKHD1 (PKHD1 ciliary IPT domain containing fibrocystin/polyductin; minus strand). Cytogenetic location: 6p12.3.
Variant type: Deletion.
Coding change: c.9171del on transcript NM_138694.4 (MANE Select); coding-DNA position 9171, one base deleted (C; older notation c.9171delC).
Protein change: p.Tyr3058fs; shifts the reading frame from tyrosine 3058.
Molecular consequence: frameshift variant.
Genome position (GRCh38, 1-based): chr6:51,748,445, G deleted on the plus strand (C on the coding strand, the reverse complement: PKHD1 is on the minus strand); the first of 2 consecutive G bases (chr6:51,748,445-51,748,446); deleting either gives the same sequence. VCF-style (leftmost placement, unchanged base first): chr6-51748444-AG-A. GRCh37 (hg19) VCF-style: chr6-51613242-AG-A.
Other names: c.9171del, p.Tyr3058fs (NM_170724.3); short protein forms Y3058fs.
Identifiers: ClinVar variation 1725405 (VCV001725405.2), dbSNP rs2533827355, ClinGen allele CA2580075475.

ClinVar aggregate classification (germline): Likely pathogenic (1 of 4 stars; one submission).

Conditions:
Polycystic kidney disease 4 (PKD4). Also called: POLYCYSTIC KIDNEY AND HEPATIC DISEASE 1; POLYCYSTIC KIDNEY DISEASE, INFANTILE, TYPE I; POLYCYSTIC KIDNEY DISEASE 4 WITH OR WITHOUT POLYCYSTIC LIVER DISEASE; PKD3; Autosomal Recessive Polycystic Kidney Disease – PKHD1. Identifiers: MedGen C4540575, MONDO:0033004, OMIM 263200.

Submission:

Myriad Genetics, Inc.
Classification: Likely pathogenic for Polycystic kidney disease 4. Last evaluated: 2022-03-20. Review status: criteria provided, single submitter. Criteria: Myriad Women's Health Autosomal Recessive and X-Linked Classification Criteria (2021). Collection method: clinical testing. Allele origin: unknown.
Comment: NM_138694.3(PKHD1):c.9171delC(Y3058Ifs*10) is expected to be pathogenic in the context of autosomal recessive polycystic kidney disease, PKHD1-related. This variant is predicted to lead to an abnormal or absent protein product due to the creation of a premature termination codon in PKHD1, a gene where loss-of-function variants are known to be pathogenic. Please note: this variant was assessed in the context of healthy population screening.